The following is an entry in ClinVar:

NM_001378454.1(ALMS1):c.7600G>A (p.Glu2534Lys)

Gene: ALMS1 (ALMS1 centrosome and basal body associated protein; plus strand). Cytogenetic location: 2p13.1.
Variant type: single nucleotide variant.
Coding change: c.7600G>A on transcript NM_001378454.1 (MANE Select); coding-DNA position 7600, G replaced by A.
Protein change: p.Glu2534Lys; replaces glutamic acid 2534 with lysine.
Molecular consequence: missense variant.
Genome position (GRCh38, 1-based): chr2:73,455,221, G>A. VCF-style: chr2-73455221-G-A. GRCh37 (hg19) VCF-style: chr2-73682348-G-A.
Other names: c.7603G>A, p.Glu2535Lys (NM_015120.4); short protein forms E2534K, E2535K.
Identifiers: ClinVar variation 2737549 (VCV002737549.3), dbSNP rs1204804728, ClinGen allele CA347293051.

ClinVar aggregate classification (germline): Uncertain significance (1 of 4 stars; one submission).

Conditions:
Alstrom syndrome (ALMS). Identifiers: Orphanet 64, MedGen C0268425, MONDO:0008763, OMIM 203800.

Allele frequency attached by ClinVar (database versions not stated): gnomAD 0.00002; TOPMed 0.00003.
gnomAD v4.1: 4 of 1,613,770 alleles (0.00025%); highest among the groups gnomAD compares: African/African-American, 0.004%; no homozygotes.

Submission:

Labcorp Genetics (formerly Invitae), Labcorp
Classification: Uncertain significance for Alstrom syndrome. Last evaluated: 2023-07-17. Review status: criteria provided, single submitter. Criteria: Invitae Variant Classification Sherloc (09022015). Collection method: clinical testing. Allele origin: germline.
Comment: In summary, the available evidence is currently insufficient to determine the role of this variant in disease. Therefore, it has been classified as a Variant of Uncertain Significance. Algorithms developed to predict the effect of sequence changes on RNA splicing suggest that this variant may disrupt the consensus splice site. Experimental studies and prediction algorithms are not available or were not evaluated, and the functional significance of this variant is currently unknown. This variant has not been reported in the literature in individuals affected with ALMS1-related conditions. This variant is present in population databases (no rsID available, gnomAD 0.01%). This sequence change replaces glutamic acid, which is acidic and polar, with lysine, which is basic and polar, at codon 2535 of the ALMS1 protein (p.Glu2535Lys).